The following is an entry in ClinVar:

ClinVar aggregate classification (germline): Conflicting classifications of pathogenicity. Review status: criteria provided, conflicting classifications (1 of 4 stars). 3 submissions from 3 submitters: Uncertain significance (2); Likely benign (1). Last evaluated 2025-12-20.

Conditions:
Hereditary nonpolyposis colorectal neoplasms. Identifiers: MedGen C0009405, MeSH D003123.
Hereditary cancer-predisposing syndrome. Also called: Neoplastic Syndromes, Hereditary; Hereditary Cancer Syndrome; Tumor predisposition; Hereditary neoplastic syndrome. Identifiers: Orphanet 140162, MedGen C0027672, MeSH D009386, MONDO:0015356.

Allele frequency attached by ClinVar (database versions not stated): gnomAD exomes below 0.00001; ExAC 0.00001.

Submissions (3):

Labcorp Genetics (formerly Invitae), Labcorp
Classification: Likely benign for Hereditary nonpolyposis colorectal neoplasms. Last evaluated: 2025-12-20. Review status: criteria provided, single submitter. Criteria: Invitae Variant Classification Sherloc (09022015). Collection method: clinical testing. Allele origin: germline.

Ambry Genetics
Classification: Uncertain significance for Hereditary cancer-predisposing syndrome. Last evaluated: 2025-02-07. Review status: criteria provided, single submitter. Criteria: Ambry Variant Classification Scheme 2023. Collection method: clinical testing. Allele origin: germline.
Comment: The p.L815F variant (also known as c.2443C>T), located in coding exon 4 of the MSH6 gene, results from a C to T substitution at nucleotide position 2443. The leucine at codon 815 is replaced by phenylalanine, an amino acid with highly similar properties. This amino acid position is well conserved in available vertebrate species. In addition, the in silico prediction for this alteration is inconclusive. Based on the available evidence, the clinical significance of this variant remains unclear.

Color Diagnostics, LLC DBA Color Health
Classification: Uncertain significance for Hereditary cancer-predisposing syndrome. Last evaluated: 2020-04-13. Review status: criteria provided, single submitter. Criteria: ACMG Guidelines, 2015. Collection method: clinical testing. Allele origin: germline.
Comment: This missense variant replaces leucine with phenylalanine at codon 815 of the MSH6 protein. Computational prediction suggests that this variant may have deleterious impact on protein structure and function (internally defined REVEL score threshold >= 0.7, PMID: 27666373). To our knowledge, functional studies have not been reported for this variant. This variant has not been reported in individuals affected with hereditary cancer in the literature. This variant has been identified in 1/249996 chromosomes in the general population by the Genome Aggregation Database (gnomAD). The available evidence is insufficient to determine the role of this variant in disease conclusively. Therefore, this variant is classified as a Variant of Uncertain Significance.

NM_000179.3(MSH6):c.2443C>T (p.Leu815Phe)

Gene: MSH6 (mutS homolog 6; plus strand). Cytogenetic location: 2p16.3.
Variant type: single nucleotide variant.
Coding change: c.2443C>T on transcript NM_000179.3 (MANE Select); coding-DNA position 2443, C replaced by T.
Protein change: p.Leu815Phe; replaces leucine 815 with phenylalanine.
Molecular consequence: missense variant.
Genome position (GRCh38, 1-based): chr2:47,800,426, C>T. VCF-style: chr2-47800426-C-T. GRCh37 (hg19) VCF-style: chr2-48027565-C-T.
Other names: c.2053C>T, p.Leu685Phe (NM_001281492.2); c.1537C>T, p.Leu513Phe (NM_001281493.2, NM_001281494.2); short protein forms L815F, L513F, L685F.
Identifiers: ClinVar variation 927353 (VCV000927353.14), dbSNP rs377411318, ClinGen allele CA069075.
Genomic context (GRCh38, chr2:47,800,426, plus strand): 5'-ATAGAAGACCTCATGGTTGTGCCTGACAAAATCTCCGAAGTTGTAGAGCTTCTAAAGAAG[C>T]TTCCAGATCTTGAGAGGCTACTCAGTAAAATTCATAATGTTGGGTCTCCCCTGAAGAGTC-3'
Protein context (NP_000170.1, residues 805-825): ISEVVELLKK[Leu815Phe]PDLERLLSKI